The following is an entry in ClinVar:

NM_004560.4(ROR2):c.1997A>G (p.Tyr666Cys)

Gene: ROR2 (receptor tyrosine kinase like orphan receptor 2; minus strand). Cytogenetic location: 9q22.31.
Variant type: single nucleotide variant.
Coding change: c.1997A>G on transcript NM_004560.4 (MANE Select); coding-DNA position 1997, A replaced by G.
Protein change: p.Tyr666Cys; replaces tyrosine 666 with cysteine.
Molecular consequence: missense variant.
Genome position (GRCh38, 1-based): chr9:91,724,497, T>C on the plus strand (A>G on the coding strand, the complement: ROR2 is on the minus strand). VCF-style: chr9-91724497-T-C. GRCh37 (hg19) VCF-style: chr9-94486779-T-C.
Other names: c.1997A>G (NM_004560.3); short protein forms Y666C.
Identifiers: ClinVar variation 1434684 (VCV001434684.10), dbSNP rs1463489541, ClinGen allele CA373796623.

ClinVar aggregate classification (germline): Uncertain significance. Review status: criteria provided, multiple submitters, no conflicts (2 of 4 stars). 3 submissions from 3 submitters: Uncertain significance (3). Last evaluated 2025-11-24.

Conditions:
Inborn genetic diseases. Identifiers: MedGen C0950123, MeSH D030342.
Brachydactyly type B1 (BDB1). Identifiers: Orphanet 572385, Orphanet 93383, MedGen C1862112, MONDO:0007220, OMIM 113000.
Autosomal recessive Robinow syndrome (RRS1). Also called: ROBINOW SYNDROME, AUTOSOMAL RECESSIVE 1; ROR2-Related Robinow Syndrome; COSTOVERTEBRAL SEGMENTATION DEFECT WITH MESOMELIA; COVESDEM SYNDROME. Identifiers: Orphanet 1507, Orphanet 97360, MedGen C5399974, MONDO:0009999, OMIM 268310.

Allele frequency attached by ClinVar (database versions not stated): gnomAD 0.00005 and 0.00006; TOPMed 0.00013.
gnomAD v4.1: 15 of 1,614,022 alleles (0.00093%); highest among the groups gnomAD compares: Admixed American, 0.0067%; 1 homozygote.

Submissions (3):

Ambry Genetics
Classification: Uncertain significance for Inborn genetic diseases. Last evaluated: 2025-11-24. Review status: criteria provided, single submitter. Criteria: Ambry Variant Classification Scheme 2023. Collection method: clinical testing. Allele origin: germline.
Comment: The c.1997A>G (p.Y666C) alteration is located in exon 9 (coding exon 9) of the ROR2 gene. This alteration results from a A to G substitution at nucleotide position 1997, causing the tyrosine (Y) at amino acid position 666 to be replaced by a cysteine (C). Based on data from gnomAD, the G allele has an overall frequency of 0.003% (1/31382) total alleles studied. The highest observed frequency was 0.118% (1/848) of Latino alleles. Based on insufficient or conflicting evidence, the clinical significance of this alteration remains unclear.

Labcorp Genetics (formerly Invitae), Labcorp
Classification: Uncertain significance. Last evaluated: 2025-09-04. Review status: criteria provided, single submitter. Criteria: Invitae Variant Classification Sherloc (09022015). Collection method: clinical testing. Allele origin: germline.
Comment: This sequence change replaces tyrosine, which is neutral and polar, with cysteine, which is neutral and slightly polar, at codon 666 of the ROR2 protein (p.Tyr666Cys). This variant is not present in population databases (gnomAD no frequency). This variant has not been reported in the literature in individuals affected with ROR2-related conditions. ClinVar contains an entry for this variant (Variation ID: 1434684). Invitae Evidence Modeling of protein sequence and biophysical properties (such as structural, functional, and spatial information, amino acid conservation, physicochemical variation, residue mobility, and thermodynamic stability) indicates that this missense variant is not expected to disrupt ROR2 protein function with a negative predictive value of 80%. In summary, the available evidence is currently insufficient to determine the role of this variant in disease. Therefore, it has been classified as a Variant of Uncertain Significance.

Fulgent Genetics
Classification: Uncertain significance for Brachydactyly type B1; Autosomal recessive Robinow syndrome. Last evaluated: 2024-01-21. Review status: criteria provided, single submitter. Criteria: ACMG Guidelines, 2015. Collection method: clinical testing. Allele origin: germline.